The following is an entry in ClinVar:

NM_001378969.1(KCND3):c.1269+6C>T

Gene: KCND3 (potassium voltage-gated channel subfamily D member 3; minus strand). Cytogenetic location: 1p13.2.
Variant type: single nucleotide variant.
Coding change: c.1269+6C>T on transcript NM_001378969.1 (MANE Select); 6 bases into the intron after coding-DNA position 1269, C replaced by T.
Molecular consequence: intron variant.
Genome position (GRCh38, 1-based): chr1:111,786,938, G>A on the plus strand (C>T on the coding strand, the complement: KCND3 is on the minus strand). VCF-style: chr1-111786938-G-A. GRCh37 (hg19) VCF-style: chr1-112329560-G-A.
Other names: c.1269+6C>T (NM_001378970.1, NM_172198.3, NM_004980.5).
Identifiers: ClinVar variation 408900 (VCV000408900.10), dbSNP rs1060502174, ClinGen allele CA16609856.

ClinVar aggregate classification (germline): Uncertain significance (1 of 4 stars; one submission).

Conditions:
Spinocerebellar ataxia type 19/22 (SCA19). Also called: SPINOCEREBELLAR ATAXIA 19; SPINOCEREBELLAR ATAXIA 22. Identifiers: Orphanet 98772, MedGen C1846367, MONDO:0011819, OMIM 607346.

Submission:

Labcorp Genetics (formerly Invitae), Labcorp
Classification: Uncertain significance for Spinocerebellar ataxia type 19/22. Last evaluated: 2019-05-03. Review status: criteria provided, single submitter. Criteria: Invitae Variant Classification Sherloc (09022015). Collection method: clinical testing. Allele origin: germline.
Comment: This sequence change falls in intron 3 of the KCND3 gene. It does not directly change the encoded amino acid sequence of the KCND3 protein, but it affects a nucleotide within the consensus splice site of the intron. This variant is not present in population databases (ExAC no frequency). This variant has not been reported in the literature in individuals with KCND3-related disease. ClinVar contains an entry for this variant (Variation ID: 408900). Nucleotide substitutions within the consensus splice site are a relatively common cause of aberrant splicing (PMID: 17576681, 9536098). Algorithms developed to predict the effect of sequence changes on RNA splicing suggest that this variant is not likely to affect RNA splicing, but this prediction has not been confirmed by published transcriptional studies. In summary, the available evidence is currently insufficient to determine the role of this variant in disease. Therefore, it has been classified as a Variant of Uncertain Significance.

Literature cited by the submitters: PubMed 17576681; PubMed 9536098.